The following is an entry in ClinVar:

ClinVar aggregate classification (germline): Uncertain significance (1 of 4 stars; one submission).

Conditions:
Tuberous sclerosis 2 (TSC2). Identifiers: Orphanet 805, MedGen C1860707, MONDO:0013199, OMIM 613254.

Submission:

Labcorp Genetics (formerly Invitae), Labcorp
Classification: Uncertain significance for Tuberous sclerosis 2. Last evaluated: 2022-02-20. Review status: criteria provided, single submitter. Criteria: Invitae Variant Classification Sherloc (09022015). Collection method: clinical testing. Allele origin: germline.
Comment: This variant is not present in population databases (gnomAD no frequency). This variant has not been reported in the literature in individuals affected with TSC2-related conditions. This sequence change replaces glutamic acid, which is acidic and polar, with valine, which is neutral and non-polar, at codon 37 of the TSC2 protein (p.Glu37Val). In summary, the available evidence is currently insufficient to determine the role of this variant in disease. Therefore, it has been classified as a Variant of Uncertain Significance. Advanced modeling of protein sequence and biophysical properties (such as structural, functional, and spatial information, amino acid conservation, physicochemical variation, residue mobility, and thermodynamic stability) performed at Invitae indicates that this missense variant is not expected to disrupt TSC2 protein function.

NM_000548.5(TSC2):c.110A>T (p.Glu37Val)

Gene: TSC2 (TSC complex subunit 2; plus strand). Cytogenetic location: 16p13.3.
Variant type: single nucleotide variant.
Coding change: c.110A>T on transcript NM_000548.5 (MANE Select); coding-DNA position 110, A replaced by T.
Protein change: p.Glu37Val; replaces glutamic acid 37 with valine.
Molecular consequence: missense variant. On other transcripts: 5 prime UTR variant (1), intron variant (1).
Genome position (GRCh38, 1-based): chr16:2,048,725, A>T. VCF-style: chr16-2048725-A-T. GRCh37 (hg19) VCF-style: chr16-2098726-A-T.
Other names: c.110A>T, p.Glu37Val (NM_001077183.3, NM_001114382.3, NM_001318827.2 and 13 more transcripts); c.-117A>T (NM_001318831.2, NM_001406682.1, NM_001406684.1 and 2 more transcripts); c.143A>T, p.Glu48Val (NM_001318832.2); c.-1203A>T (NM_001406695.1, NM_001406694.1); c.-1310A>T (NM_001406696.1); c.-1322A>T (NM_001406697.1, NM_001406689.1, NM_001406690.1 and 2 more transcripts); c.-1498A>T (NM_001406698.1); c.-10+660A>T (NM_001318829.2); and 3 more; short protein forms E37V, E48V.
Identifiers: ClinVar variation 2100646 (VCV002100646.4), dbSNP rs2548351211, ClinGen allele CA394301576.
Genomic context (GRCh38, chr16:2,048,725, plus strand): 5'-TTCTGTTGGGACTGGGAACACCGAGGCCAAATCCCAGGTCTGCAGAGGGTAAACAGACGG[A>T]GTTTATCATCACCGCGGAAATACTGAGAGTGAGTGAGCTACCTGTGTCTTTGCTAGGCTA-3'
Protein context (NP_000539.2, residues 27-47): NPRSAEGKQT[Glu37Val]FIITAEILRE